The following continues an entry in ClinVar:

NM_000091.5(COL4A3):c.443G>T (p.Gly148Val)

ClinVar aggregate classification (germline): Pathogenic/Likely pathogenic. Pathogenic (4); Likely pathogenic (4).

Submissions 8 to 11 of 11:

Women's Health and Genetics/Laboratory Corporation of America, LabCorp
Classification: Likely pathogenic for Autosomal recessive Alport syndrome. Last evaluated: 2023-01-04. Review status: criteria provided, single submitter. Criteria: LabCorp Variant Classification Summary - May 2015. Collection method: clinical testing. Allele origin: germline.
Comment: Variant summary: COL4A3 c.443G>T (p.Gly148Val) results in a non-conservative amino acid change located in the triple-helical region (Uniprot) of the encoded protein sequence. Alterations of glycine residues within the collagen triple-helix are common mechanisms of disease. Five of five in-silico tools predict a damaging effect of the variant on protein function. 4/4 computational tools predict no significant impact on normal splicing. The variant allele was found at a frequency of 1.2e-05 in 249524 control chromosomes (gnomAD). c.443G>T has been reported in the literature in the heterozygous state in individual(s) with clinical features of focal segmental glomerulosclerosis and steroid resistant nephrotic syndrome (Malone_2014, Varner_2018), and in a heterozygous individual with Alport Syndrome who had a positive family history of the disease (Boeckhaus_2021). It has also been reported in an individual affected with hearing loss, but with no other reported features of Alport Syndrome (Boucher_2020). These data indicate that the variant may be associated with disease. To our knowledge, no experimental evidence demonstrating an impact on protein function has been reported. Four submitters have provided clinical-significance assessments for this variant to ClinVar after 2014 with conflicting assessments, classifying the variant as either VUS (n=2) or pathogenic (n=2). Based on the evidence outlined above, the variant was classified as likely pathogenic.

PreventionGenetics, part of Exact Sciences
Classification: Pathogenic for COL4A3-related condition. Last evaluated: 2024-09-06. Review status: no assertion criteria provided. Collection method: clinical testing. Allele origin: germline. Not counted in ClinVar's aggregate classification.
Comment: The COL4A3 c.443G>T variant is predicted to result in the amino acid substitution p.Gly148Val. This variant has been reported in the heterozygous state in individuals with focal segmental glomerulosclerosis (FSGS) or Alport syndrome related phenotypes (Malone et al. 2014. PubMed ID: 25229338; Varner et al. 2018. PubMed ID: 30406062; Supplementary Table 2, Ćomić et al. 2022. PubMed ID: 36117978; Boeckhaus et al. 2020. PubMed ID: 33040356). This variant was also reported in the heterozygous state in a patient with age-related hearing loss (PT 4011 in Boucher et al. 2020. PubMed ID: 33229591). The p.Gly148 residue is located in the conserved triple helical domain, where substitutions of the glycine are usually pathogenic (UniProt residues 43-1438, Hudson et al. 1993. PubMed ID: 8253711). In addition, at other glycine (Gly) residues within this domain, substitutions of a glycine (Gly) with a valine (Val) have been widely reported to be pathogenic for autosomal dominant or recessive COL4A3 nephropathy (see for example, p.Gly464Val in Tazon Vega et al. 2003. PubMed ID: 14582039, autosomal recessive and dominant in the same family; p.Gly631Val in Weber et al. 2016. PubMed ID: 26809805 and Braunisch et al. 2018. PubMed ID: 29946535, autosomal dominant; p.Gly795Val in Supplementary Table 3, Bullich et al. 2018. PubMed ID: 29801666, autosomal dominant). The c.443G>T (p.Gly148Val) variant is reported in 0.0097% of alleles in individuals of Ashkenazi Jewish descent in gnomAD. In summary, this variant is interpreted as pathogenic for both autosomal dominant and recessive COL4A3 nephropathy.

Bioscientia Institut fuer Medizinische Diagnostik GmbH, Sonic Healthcare
Classification: Pathogenic for Autosomal dominant Alport syndrome. Last evaluated: 2018-11-27. Review status: no assertion criteria provided. Collection method: clinical testing. Allele origin: germline. Affected: yes. Not counted in ClinVar's aggregate classification.

Counsyl
Classification: Uncertain significance for Autosomal recessive Alport syndrome. Last evaluated: 2017-03-23. Review status: no assertion criteria provided. Collection method: clinical testing. Allele origin: unknown. Not counted in ClinVar's aggregate classification.

Literature cited by the submitters: PubMed 25229338 (cited by 6 submitters); PubMed 30406062 (cited by 4 submitters); PubMed 33040356 (cited by 4 submitters); PubMed 39190485 (cited by Natera, Inc.); PubMed 33229591 (cited by 3 submitters); PubMed 12028435 (cited by Victorian Clinical Genetics Services, Murdoch Childrens Research Institute).